The following is an entry in ClinVar:

NM_032043.3(BRIP1):c.603G>A (p.Lys201=)

Gene: BRIP1 (BRCA1 interacting DNA helicase 1; minus strand). Cytogenetic location: 17q23.2.
Variant type: single nucleotide variant.
Coding change: c.603G>A on transcript NM_032043.3 (MANE Select); coding-DNA position 603, G replaced by A.
Protein change: p.Lys201=; no amino-acid change (lysine 201 retained).
Molecular consequence: synonymous variant.
Genome position (GRCh38, 1-based): chr17:61,847,125, C>T on the plus strand (G>A on the coding strand, the complement: BRIP1 is on the minus strand). VCF-style: chr17-61847125-C-T. GRCh37 (hg19) VCF-style: chr17-59924486-C-T.
Identifiers: ClinVar variation 826151 (VCV000826151.5), dbSNP rs1603361579, ClinGen allele CA501150613.

ClinVar aggregate classification (germline): Benign/Likely benign. Review status: criteria provided, multiple submitters, no conflicts (2 of 4 stars). 2 submissions from 2 submitters: Benign (1); Likely benign (1). Last evaluated 2024-08-21.

Conditions:
Hereditary cancer-predisposing syndrome. Also called: Neoplastic Syndromes, Hereditary; Tumor predisposition; Hereditary neoplastic syndrome; Hereditary Cancer Syndrome. Identifiers: Orphanet 140162, MedGen C0027672, MeSH D009386, MONDO:0015356.
Familial cancer of breast. Also called: BREAST CANCER, FAMILIAL; Hereditary breast cancer; hereditary breast carcinoma. Identifiers: Orphanet 227535, MedGen C0346153, MONDO:0016419, OMIM 114480. Disease mechanism: loss of function.

Submissions (2):

Myriad Genetics, Inc.
Classification: Benign for Familial cancer of breast. Last evaluated: 2024-08-21. Review status: criteria provided, single submitter. Criteria: Myriad Autosomal Dominant, Autosomal Recessive and X-Linked Classification Criteria (2023). Collection method: clinical testing. Allele origin: unknown.
Comment: This variant is considered benign. This variant is a silent/synonymous amino acid change and it is not expected to impact splicing.

Ambry Genetics
Classification: Likely benign for Hereditary cancer-predisposing syndrome. Last evaluated: 2018-06-27. Review status: criteria provided, single submitter. Criteria: Ambry Variant Classification Scheme 2023. Collection method: clinical testing. Allele origin: germline.